The following is an entry in ClinVar:

ClinVar aggregate classification (germline): Uncertain significance. Review status: criteria provided, multiple submitters, no conflicts (2 of 4 stars). 3 submissions from 3 submitters: Uncertain significance (3). Last evaluated 2022-07-15.

Conditions:
Congenital lactase deficiency. Also called: ALACTASIA, CONGENITAL; DISACCHARIDE INTOLERANCE II. Identifiers: Orphanet 53690, MedGen C0268179, MONDO:0009115, OMIM 223000.

Allele frequency attached by ClinVar (database versions not stated): ExAC 0.00002; gnomAD 0.00005; gnomAD exomes 0.00005 and 0.00006; TOPMed 0.00005.
gnomAD v4.1: 95 of 1,612,860 alleles (0.0059%); highest among the groups gnomAD compares: Non-Finnish European, 0.0076%; no homozygotes.

Submissions (3):

Labcorp Genetics (formerly Invitae), Labcorp
Classification: Uncertain significance. Last evaluated: 2022-07-15. Review status: criteria provided, single submitter. Criteria: Invitae Variant Classification Sherloc (09022015). Collection method: clinical testing. Allele origin: germline.
Comment: This sequence change falls in intron 9 of the LCT gene. It does not directly change the encoded amino acid sequence of the LCT protein. It affects a nucleotide within the consensus splice site. This variant is present in population databases (rs575414951, gnomAD 0.01%). This variant has not been reported in the literature in individuals affected with LCT-related conditions. ClinVar contains an entry for this variant (Variation ID: 894461). Variants that disrupt the consensus splice site are a relatively common cause of aberrant splicing (PMID: 17576681, 9536098). Algorithms developed to predict the effect of sequence changes on RNA splicing suggest that this variant may disrupt the consensus splice site. In summary, the available evidence is currently insufficient to determine the role of this variant in disease. Therefore, it has been classified as a Variant of Uncertain Significance.

Fulgent Genetics
Classification: Uncertain significance for Congenital lactase deficiency. Last evaluated: 2022-02-23. Review status: criteria provided, single submitter. Criteria: ACMG Guidelines, 2015. Collection method: clinical testing. Allele origin: unknown.

Illumina Laboratory Services, Illumina
Classification: Uncertain significance for Congenital lactase deficiency. Last evaluated: 2018-01-12. Review status: criteria provided, single submitter. Criteria: ICSL Variant Classification Criteria 13 December 2019. Collection method: clinical testing. Allele origin: germline.

Literature cited by the submitters: PubMed 17576681 (cited by Labcorp Genetics (formerly Invitae), Labcorp); PubMed 9536098 (cited by Labcorp Genetics (formerly Invitae), Labcorp).

NM_002299.4(LCT):c.4173+5G>A

Gene: LCT (lactase; minus strand). Cytogenetic location: 2q21.3.
Variant type: single nucleotide variant.
Coding change: c.4173+5G>A on transcript NM_002299.4 (MANE Select); 5 bases into the intron after coding-DNA position 4173, G replaced by A.
Molecular consequence: intron variant.
Genome position (GRCh38, 1-based): chr2:135,807,123, C>T on the plus strand (G>A on the coding strand, the complement: LCT is on the minus strand). VCF-style: chr2-135807123-C-T. GRCh37 (hg19) VCF-style: chr2-136564693-C-T.
Identifiers: ClinVar variation 894461 (VCV000894461.7), dbSNP rs575414951, ClinGen allele CA1887914.